The following is an entry in ClinVar:

ClinVar aggregate classification (germline): Likely benign. Review status: criteria provided, single submitter (1 of 4 stars). 2 submissions from 2 submitters: Likely benign (1). 1 of the submissions does not count toward it. Last evaluated 2022-07-05.

Conditions:
MOCOS-related disorder. Also called: MOCOS-related condition.
Xanthinuria type II. Also called: Xanthine dehydrogenase and aldehyde oxidase combined deficiency of; XDH and AOX dual deficiency. Identifiers: Orphanet 3467, Orphanet 93602, MedGen C1863688, MONDO:0011346, OMIM 603592.

Allele frequency attached by ClinVar (database versions not stated): gnomAD exomes 0.00002 and 0.00004; 1000 Genomes Project 30x 0.00016; 1000 Genomes Project 0.00020; ExAC 0.00002; gnomAD 0.00003 and 0.00004; TOPMed 0.00006.
gnomAD v4.1: 41 of 1,614,120 alleles (0.0025%); highest among the groups gnomAD compares: Middle Eastern, 0.082%; no homozygotes.

Submissions (2):

Labcorp Genetics (formerly Invitae), Labcorp
Classification: Likely benign for Xanthinuria type II. Last evaluated: 2022-07-05. Review status: criteria provided, single submitter. Criteria: Invitae Variant Classification Sherloc (09022015). Collection method: clinical testing. Allele origin: germline.

PreventionGenetics, part of Exact Sciences
Classification: Likely benign for MOCOS-related condition. Last evaluated: 2019-07-02. Review status: no assertion criteria provided. Collection method: clinical testing. Allele origin: germline. Not counted in ClinVar's aggregate classification.
Comment: This variant is classified as likely benign based on ACMG/AMP sequence variant interpretation guidelines (Richards et al. 2015 PMID: 25741868, with internal and published modifications).

NM_017947.4(MOCOS):c.978C>T (p.Ile326=)

Gene: MOCOS (molybdenum cofactor sulfurase; plus strand). Cytogenetic location: 18q12.2.
Variant type: single nucleotide variant.
Coding change: c.978C>T on transcript NM_017947.4 (MANE Select); coding-DNA position 978, C replaced by T.
Protein change: p.Ile326=; no amino-acid change (isoleucine 326 retained).
Molecular consequence: synonymous variant.
Genome position (GRCh38, 1-based): chr18:36,203,149, C>T. VCF-style: chr18-36203149-C-T. GRCh37 (hg19) VCF-style: chr18-33783112-C-T.
Identifiers: ClinVar variation 721656 (VCV000721656.11), dbSNP rs540275885, ClinGen allele CA8940575.